The following is an entry in ClinVar:

ClinVar aggregate classification (germline): Likely benign (1 of 4 stars; one submission).

Conditions:
Tay-Sachs disease, variant AB. Also called: Gm2-gangliosidosis, ab variant; GM2 Activator Deficiency. Identifiers: Orphanet 309246, MedGen C0268275, MONDO:0010099, OMIM 272750.

Allele frequency attached by ClinVar (database versions not stated): TOPMed 0.00193; 1000 Genomes Project 0.00240; 1000 Genomes Project 30x 0.00265.
gnomAD v4.1: 340 of 663,070 alleles (0.051%); highest among the groups gnomAD compares: African/African-American, 0.63%; 2 homozygotes.

Submission:

Illumina Laboratory Services, Illumina
Classification: Likely benign for Tay-Sachs disease, variant AB. Last evaluated: 2018-01-13. Review status: criteria provided, single submitter. Criteria: ICSL Variant Classification Criteria 13 December 2019. Collection method: clinical testing. Allele origin: germline.
Comment: This variant was observed in the ICSL laboratory as part of a predisposition screen in an ostensibly healthy population. It had not been previously curated by ICSL or reported in the Human Gene Mutation Database (HGMD: prior to June 1st, 2018), and was therefore a candidate for classification through an automated scoring system. Utilizing variant allele frequency, disease prevalence and penetrance estimates, and inheritance mode, an automated score was calculated to assess if this variant is too frequent to cause the disease. Based on the score and internal cut-off values, a variant classified as likely benign is not then subjected to further curation. The score for this variant resulted in a classification of likely benign for this disease.

NM_000405.5(GM2A):c.*1312G>T

Gene: GM2A (ganglioside GM2 activator; plus strand). Cytogenetic location: 5q33.1.
Variant type: single nucleotide variant.
Coding change: c.*1312G>T on transcript NM_000405.5 (MANE Select); 1312 bases downstream of the stop codon, G replaced by T.
Molecular consequence: 3 prime UTR variant.
Genome position (GRCh38, 1-based): chr5:151,268,763, G>T. VCF-style: chr5-151268763-G-T. GRCh37 (hg19) VCF-style: chr5-150648324-G-T.
Other names: c.*1123G>T (NM_001167607.3).
Identifiers: ClinVar variation 904287 (VCV000904287.4), dbSNP rs541345989, ClinGen allele CA129900835.